The following is an entry in ClinVar:

NM_025000.4(DCAF17):c.289del (p.Lys96_Ile97insTer)

Gene: DCAF17 (DDB1 and CUL4 associated factor 17; plus strand). Cytogenetic location: 2q31.1.
Variant type: Deletion.
Coding change: c.289del on transcript NM_025000.4 (MANE Select); coding-DNA position 289, one base deleted (A; older notation c.289delA).
Protein change: p.Lys96_Ile97insTer.
Molecular consequence: nonsense. On other transcripts: non-coding transcript variant (1).
Genome position (GRCh38, 1-based): chr2:171,443,581, A deleted; the last of 6 consecutive A bases (chr2:171,443,576-171,443,581); deleting any one gives the same sequence. VCF-style (leftmost placement, unchanged base first): chr2-171443575-GA-G. GRCh37 (hg19) VCF-style: chr2-172300085-GA-G.
Other names: c.289del, p.Lys96_Ile97insTer (NM_001164821.2).
Identifiers: ClinVar variation 3704442 (VCV003704442.2).

ClinVar aggregate classification (germline): Pathogenic (1 of 4 stars; one submission).

Conditions:
Woodhouse-Sakati syndrome. Also called: EXTRAPYRAMIDAL DISORDER, PROGRESSIVE, WITH PRIMARY HYPOGONADISM, MENTAL RETARDATION, AND ALOPECIA; Hypogonadism, Alopecia, Diabetes Mellitus, Mental Retardation, and Extrapyramidal Syndrome; Hypogonadism, diabetes mellitus, alopecia, mental retardation and electrocardiographic abnormalities. Identifiers: Orphanet 3464, MedGen C0342286, MONDO:0009419, OMIM 241080.

Submission:

Labcorp Genetics (formerly Invitae), Labcorp
Classification: Pathogenic for Woodhouse-Sakati syndrome. Last evaluated: 2024-02-09. Review status: criteria provided, single submitter. Criteria: Invitae Variant Classification Sherloc (09022015). Collection method: clinical testing. Allele origin: germline.
Comment: This sequence change creates a premature translational stop signal (p.Ile97*) in the DCAF17 gene. It is expected to result in an absent or disrupted protein product. Loss-of-function variants in DCAF17 are known to be pathogenic (PMID: 19026396, 20507343). This variant is not present in population databases (gnomAD no frequency). This variant has not been reported in the literature in individuals affected with DCAF17-related conditions. For these reasons, this variant has been classified as Pathogenic.

Literature cited by the submitters: PubMed 19026396; PubMed 20507343.